The following is an entry in ClinVar:

NM_000180.4(GUCY2D):c.1290C>A (p.Ala430=)

Gene: GUCY2D (guanylate cyclase 2D, retinal; plus strand). Cytogenetic location: 17p13.1.
Variant type: single nucleotide variant.
Coding change: c.1290C>A on transcript NM_000180.4 (MANE Select); coding-DNA position 1290, C replaced by A.
Protein change: p.Ala430=; no amino-acid change (alanine 430 retained).
Molecular consequence: synonymous variant.
Genome position (GRCh38, 1-based): chr17:8,006,626, C>A. VCF-style: chr17-8006626-C-A. GRCh37 (hg19) VCF-style: chr17-7909944-C-A.
Identifiers: ClinVar variation 1465270 (VCV001465270.5), dbSNP rs141967896, ClinGen allele CA8365700.

ClinVar aggregate classification (germline): Uncertain significance (1 of 4 stars; one submission).

Conditions:
Cone-rod dystrophy 6 (CORD6). Also called: RETINAL CONE DYSTROPHY 2; Cone dystrophy progressive. Identifiers: Orphanet 1872, MedGen C1866293, MONDO:0011143, OMIM 601777.
Leber congenital amaurosis 1 (LCA1). Also called: RETINAL BLINDNESS, CONGENITAL; AMAUROSIS CONGENITA OF LEBER I; Congenital absence of the rods and cones; Leber's congenital tapetoretinal degeneration; Leber's congenital tapetoretinal dysplasia. Identifiers: Orphanet 65, MedGen C2931258, MONDO:0008764, OMIM 204000.

Submission:

Labcorp Genetics (formerly Invitae), Labcorp
Classification: Uncertain significance for Leber congenital amaurosis 1; Cone-rod dystrophy 6. Last evaluated: 2022-10-17. Review status: criteria provided, single submitter. Criteria: Invitae Variant Classification Sherloc (09022015). Collection method: clinical testing. Allele origin: germline.
Comment: This sequence change affects codon 430 of the GUCY2D mRNA. It is a 'silent' change, meaning that it does not change the encoded amino acid sequence of the GUCY2D protein. This variant is present in population databases (rs141967896, gnomAD 0.01%). This variant has not been reported in the literature in individuals affected with GUCY2D-related conditions. ClinVar contains an entry for this variant (Variation ID: 1465270). Algorithms developed to predict the effect of sequence changes on RNA splicing suggest that this variant may create or strengthen a splice site. In summary, the available evidence is currently insufficient to determine the role of this variant in disease. Therefore, it has been classified as a Variant of Uncertain Significance.